The following is an entry in ClinVar:

NM_031885.5(BBS2):c.1313_1314insT (p.Ser439fs)

Gene: BBS2 (Bardet-Biedl syndrome 2; minus strand). Cytogenetic location: 16q13.
Variant type: Insertion.
Coding change: c.1313_1314insT on transcript NM_031885.5 (MANE Select); coding-DNA positions 1313 to 1314, T inserted.
Protein change: p.Ser439fs; shifts the reading frame from serine 439.
Molecular consequence: frameshift variant. On other transcripts: non-coding transcript variant (2).
Genome position: GRCh38 VCF-style: chr16-56500937-G-GA. GRCh37 (hg19) VCF-style: chr16-56534849-G-GA.
Other names: c.1313_1314insT, p.Ser439fs (NM_001377456.1); short protein forms S439fs.
Identifiers: ClinVar variation 1723908 (VCV001723908.2), dbSNP rs2543707684, ClinGen allele CA2580091664.

ClinVar aggregate classification (germline): Likely pathogenic (1 of 4 stars; one submission).

Conditions:
Bardet-Biedl syndrome 2 (BBS2). Identifiers: Orphanet 110, MedGen C2936863, MONDO:0014432, OMIM 615981.

Submission:

Myriad Genetics, Inc.
Classification: Likely pathogenic for Bardet-Biedl syndrome 2. Last evaluated: 2022-01-08. Review status: criteria provided, single submitter. Criteria: Myriad Women's Health Autosomal Recessive and X-Linked Classification Criteria (2021). Collection method: clinical testing. Allele origin: unknown.
Comment: NM_031885.3(BBS2):c.1313_1314insT(S439Qfs*35) is expected to be pathogenic in the context of Bardet-Biedl syndrome, BBS2-related. This variant is predicted to lead to an abnormal or absent protein product due to the creation of a premature termination codon in BBS2, a gene where loss-of-function variants are known to be pathogenic. Please note: this variant was assessed in the context of healthy population screening.